The following is an entry in ClinVar:

ClinVar aggregate classification (germline): Uncertain significance (1 of 4 stars; one submission).

Submission:

Labcorp Genetics (formerly Invitae), Labcorp
Classification: Uncertain significance. Last evaluated: 2024-07-15. Review status: criteria provided, single submitter. Criteria: Invitae Variant Classification Sherloc (09022015). Collection method: clinical testing. Allele origin: germline.
Comment: This sequence change replaces alanine, which is neutral and non-polar, with glycine, which is neutral and non-polar, at codon 466 of the MYLK3 protein (p.Ala466Gly). This variant is not present in population databases (gnomAD no frequency). This variant has not been reported in the literature in individuals affected with MYLK3-related conditions. An algorithm developed to predict the effect of missense changes on protein structure and function outputs the following: PolyPhen-2: "Benign". The glycine amino acid residue is found in multiple mammalian species, which suggests that this missense change does not adversely affect protein function. In summary, the available evidence is currently insufficient to determine the role of this variant in disease. Therefore, it has been classified as a Variant of Uncertain Significance.

NM_182493.3(MYLK3):c.1397C>G (p.Ala466Gly)

Gene: MYLK3 (myosin light chain kinase 3; minus strand). Cytogenetic location: 16q11.2.
Variant type: single nucleotide variant.
Coding change: c.1397C>G on transcript NM_182493.3 (MANE Select); coding-DNA position 1397, C replaced by G.
Protein change: p.Ala466Gly; replaces alanine 466 with glycine.
Molecular consequence: missense variant.
Genome position (GRCh38, 1-based): chr16:46,732,273, G>C on the plus strand (C>G on the coding strand, the complement: MYLK3 is on the minus strand). VCF-style: chr16-46732273-G-C. GRCh37 (hg19) VCF-style: chr16-46766185-G-C.
Other names: c.374C>G, p.Ala125Gly (NM_001308301.1); short protein forms A466G, A125G.
Identifiers: ClinVar variation 3659513 (VCV003659513.2).